The following is an entry in ClinVar:

NM_177438.3(DICER1):c.326A>G (p.Gln109Arg)

Gene: DICER1 (dicer 1, ribonuclease III; minus strand). Cytogenetic location: 14q32.13.
Variant type: single nucleotide variant.
Coding change: c.326A>G on transcript NM_177438.3 (MANE Select); coding-DNA position 326, A replaced by G.
Protein change: p.Gln109Arg; replaces glutamine 109 with arginine.
Molecular consequence: missense variant.
Genome position (GRCh38, 1-based): chr14:95,131,621, T>C on the plus strand (A>G on the coding strand, the complement: DICER1 is on the minus strand). VCF-style: chr14-95131621-T-C. GRCh37 (hg19) VCF-style: chr14-95597958-T-C.
Other names: c.326A>G, p.Gln109Arg (NM_001195573.1, NM_001271282.3, NM_001291628.2 and 1 more transcripts); short protein forms Q109R.
Identifiers: ClinVar variation 836839 (VCV000836839.11), dbSNP rs1893959587, ClinGen allele CA390889412.

ClinVar aggregate classification (germline): Uncertain significance (1 of 4 stars; one submission).

Conditions:
DICER1-related tumor predisposition. Also called: DICER1-related pleuropulmonary blastoma cancer predisposition syndrome; DICER1 syndrome. Identifiers: Orphanet 284343, MedGen C3839822, MONDO:0100216.

Submission:

Labcorp Genetics (formerly Invitae), Labcorp
Classification: Uncertain significance for DICER1-related tumor predisposition. Last evaluated: 2019-12-26. Review status: criteria provided, single submitter. Criteria: Invitae Variant Classification Sherloc (09022015). Collection method: clinical testing. Allele origin: germline.
Comment: In summary, the available evidence is currently insufficient to determine the role of this variant in disease. Therefore, it has been classified as a Variant of Uncertain Significance. Algorithms developed to predict the effect of missense changes on protein structure and function are either unavailable or do not agree on the potential impact of this missense change (SIFT: "Tolerated"; PolyPhen-2: "Probably Damaging"; Align-GVGD: "Class C0"). This variant has not been reported in the literature in individuals with DICER1-related conditions. This variant is not present in population databases (ExAC no frequency). This sequence change replaces glutamine with arginine at codon 109 of the DICER1 protein (p.Gln109Arg). The glutamine residue is highly conserved and there is a small physicochemical difference between glutamine and arginine.